The following is an entry in ClinVar:

ClinVar aggregate classification (germline): Uncertain significance (1 of 4 stars; one submission).

gnomAD v4.1: 4 of 1,609,922 alleles (0.00025%); highest among the groups gnomAD compares: South Asian, 0.0011%; no homozygotes.

Submission:

Labcorp Genetics (formerly Invitae), Labcorp
Classification: Uncertain significance. Last evaluated: 2024-11-11. Review status: criteria provided, single submitter. Criteria: Invitae Variant Classification Sherloc (09022015). Collection method: clinical testing. Allele origin: germline.
Comment: This sequence change replaces valine with methionine at codon 426 of the MYO18B protein (p.Val426Met). The valine residue is weakly conserved and there is a small physicochemical difference between valine and methionine. This variant is not present in population databases (gnomAD no frequency). This variant has not been reported in the literature in individuals affected with MYO18B-related conditions. An algorithm developed to predict the effect of missense changes on protein structure and function (PolyPhen-2) suggests that this variant is likely to be disruptive. In summary, the available evidence is currently insufficient to determine the role of this variant in disease. Therefore, it has been classified as a Variant of Uncertain Significance.

NM_032608.7(MYO18B):c.1276G>A (p.Val426Met)

Gene: MYO18B (myosin XVIIIB; plus strand). Cytogenetic location: 22q12.1.
Variant type: single nucleotide variant.
Coding change: c.1276G>A on transcript NM_032608.7 (MANE Select); coding-DNA position 1276, G replaced by A.
Protein change: p.Val426Met; replaces valine 426 with methionine.
Molecular consequence: missense variant.
Genome position (GRCh38, 1-based): chr22:25,769,192, G>A. VCF-style: chr22-25769192-G-A. GRCh37 (hg19) VCF-style: chr22-26165159-G-A.
Other names: c.1276G>A, p.Val426Met (NM_001318245.2); short protein forms V426M.
Identifiers: ClinVar variation 3628107 (VCV003628107.2).
Genomic context (GRCh38, chr22:25,769,192, plus strand): 5'-GGTGAAGCTCGGAGTCAGACAGAGAAGGGCTGTGAAGCCCCAAAGGAGGTGAGCACAATG[G>A]TGGAGTCGCCAGCAGCTCCTGGGAAGGGAGGCTGGCCAGGAAGCCGTGGGCAGGAAGCAG-3'
Protein context (NP_115997.5, residues 416-436): CEAPKEVSTM[Val426Met]ESPAAPGKGG